The following is an entry in ClinVar:

ClinVar aggregate classification (germline): Uncertain significance. Review status: criteria provided, single submitter (1 of 4 stars). 2 submissions from 1 submitter: Uncertain significance (2). Last evaluated 2022-09-19.

Conditions:
D-2-hydroxyglutaric aciduria 1 (D2HGA1). Identifiers: Orphanet 79315, MedGen C3152055, MONDO:0024554, OMIM 600721.
Hereditary spastic paraplegia 30. Identifiers: Orphanet 101010, MedGen C5235139, MONDO:0012476.
Neuropathy, hereditary sensory, type 2C. Also called: Hereditary sensory and autonomic neuropathy type IIC; KIF1A-Related HSAN2 (HSAN2C). Identifiers: Orphanet 970, MedGen C3280168, MONDO:0013634, OMIM 614213.
Intellectual disability, autosomal dominant 9 (NESCAVS). Also called: NESCAV SYNDROME; KIF1A-Related Neurodevelopmental Disorder. Identifiers: Orphanet 662367, MedGen C5393830, MONDO:0013656, OMIM 614255.

Submissions (2):

Labcorp Genetics (formerly Invitae), Labcorp
Classification: Uncertain significance for Hereditary spastic paraplegia 30; Neuropathy, hereditary sensory, type 2C; Intellectual disability, autosomal dominant 9. Last evaluated: 2022-09-19. Review status: criteria provided, single submitter. Criteria: Invitae Variant Classification Sherloc (09022015). Collection method: clinical testing. Allele origin: germline.
Comment: A copy number gain of the genomic region encompassing the full coding sequence of the KIF1A gene has been identified. The boundaries of this event are unknown as they extend beyond the assayed region for this gene and therefore may encompass additional genes. As the precise location of this event is unknown, it may be in tandem or it may be located elsewhere in the genome. This variant has not been reported in the literature in individuals affected with KIF1A-related conditions. In summary, the available evidence is currently insufficient to determine the role of this variant in disease. Therefore, it has been classified as a Variant of Uncertain Significance.

Labcorp Genetics (formerly Invitae), Labcorp
Classification: Uncertain significance for D-2-hydroxyglutaric aciduria 1. Last evaluated: 2022-09-19. Review status: criteria provided, single submitter. Criteria: Invitae Variant Classification Sherloc (09022015). Collection method: clinical testing. Allele origin: germline.
Comment: A copy number gain of the genomic region encompassing the full coding sequence of the D2HGDH gene has been identified. The boundaries of this event are unknown as they extend beyond the assayed region for this gene and therefore may encompass additional genes. As the precise location of this event is unknown, it may be in tandem or it may be located elsewhere in the genome. This variant has not been reported in the literature in individuals affected with D2HGDH-related conditions. In summary, the available evidence is currently insufficient to determine the role of this variant in disease. Therefore, it has been classified as a Variant of Uncertain Significance.

NC_000002.11:g.(?_238233417)_(242800990_?)dup

Genes: COPS9 (COP9 signalosome subunit 9; minus strand), RAMP1 (receptor activity modifying protein 1; plus strand), SCLY (selenocysteine lyase; plus strand), SEPTIN2 (septin 2; plus strand), SNED1 (sushi, nidogen and EGF like domains 1; plus strand) and 50 more. Cytogenetic location: 2q37.3.
Variant type: Duplication.
Identifiers: ClinVar variation 1411130 (VCV001411130.7).